The following is an entry in ClinVar:

ClinVar aggregate classification (germline): Likely pathogenic. Review status: criteria provided, multiple submitters, no conflicts (2 of 4 stars). 3 submissions from 3 submitters: Likely pathogenic (3). Last evaluated 2023-04-11.

Conditions:
Intellectual disability-microcephaly-strabismus-behavioral abnormalities syndrome. Also called: White-Sutton Syndrome. Identifiers: Orphanet 468678, MedGen C4225351, MONDO:0014606, OMIM 616364.

Submissions (3):

Genome-Nilou Lab
Classification: Likely pathogenic for Intellectual disability-microcephaly-strabismus-behavioral abnormalities syndrome. Last evaluated: 2023-04-11. Review status: criteria provided, single submitter. Criteria: ACMG Guidelines, 2015. Collection method: clinical testing. Allele origin: germline. Affected: no.

Daryl Scott Lab, Baylor College of Medicine
Classification: Likely pathogenic for Intellectual disability-microcephaly-strabismus-behavioral abnormalities syndrome. Last evaluated: 2020-11-11. Review status: criteria provided, single submitter. Criteria: ACMG Guidelines, 2015. Collection method: clinical testing. Allele origin: unknown. Observed: 1 variant allele.

Baylor Genetics
Classification: Likely pathogenic for Intellectual disability-microcephaly-strabismus-behavioral abnormalities syndrome. Last evaluated: 2018-04-17. Review status: criteria provided, single submitter. Criteria: ACMG Guidelines, 2015. Collection method: clinical testing. Allele origin: unknown. Affected: yes.
Comment: This variant was determined to be likely pathogenic according to ACMG Guidelines, 2015 [PMID:25741868].

Literature cited by the submitters: PubMed 33461977 (cited by Daryl Scott Lab, Baylor College of Medicine).

NM_015100.4(POGZ):c.2849dup (p.Val951fs)

Gene: POGZ (pogo transposable element derived with ZNF domain; minus strand). Cytogenetic location: 1q21.3.
Variant type: Duplication.
Coding change: c.2849dup on transcript NM_015100.4 (MANE Select); coding-DNA position 2849, one base duplicated (C; older notation c.2849dupC).
Protein change: p.Val951fs; shifts the reading frame from valine 951.
Molecular consequence: frameshift variant.
Genome position (GRCh38, 1-based): chr1:151,406,186, G duplicated on the plus strand (C on the coding strand, the reverse complement: POGZ is on the minus strand); the first of 3 consecutive G bases (chr1:151,406,186-151,406,188); duplicating any one gives the same sequence. VCF-style (leftmost placement, unchanged base first): chr1-151406185-T-TG. GRCh37 (hg19) VCF-style: chr1-151378661-T-TG.
Other names: c.2822dup, p.Val942fs (NM_001194937.2); c.2663dup, p.Val889fs (NM_001194938.2); c.2564dup, p.Val856fs (NM_145796.4); c.2690dup, p.Val898fs (NM_207171.2); c.2849dupC (NM_015100.4); short protein forms V856fs, V889fs, V898fs, V942fs, V951fs.
Identifiers: ClinVar variation 987897 (VCV000987897.3), dbSNP rs1653560615, ClinGen allele CA1139656323.